The following is an entry in ClinVar:

ClinVar aggregate classification (germline): Likely pathogenic (0 of 4 stars; one submission).

Conditions:
Familial long QT syndrome (RWS). Also called: Romano-Ward syndrome; VENTRICULAR FIBRILLATION WITH PROLONGED QT INTERVAL; Congenital long QT syndrome. Identifiers: Orphanet 768, MedGen C1141890, MONDO:0019171.

Submission:

Genetics and Genomics Program, Sidra Medicine
Classification: Likely pathogenic for Isolated congenital long QT syndrome. Review status: no assertion criteria provided. Collection method: research. Allele origin: unknown. Affected: yes.
Comment: The c.3083-1G>C splice acceptor variant in VPS13B is absent from population databases like gnomAD, indicating rarity (PM2). This variant is a null variant (intronic, within ±2 of the splice site), likely leading to loss of function (PVS1). Based on these factors, the variant is classified as likely pathogenic (ACMG codes: PVS1, PM2).

NM_152564.5(VPS13B):c.3083-1G>C

Gene: VPS13B (vacuolar protein sorting 13 homolog B; plus strand). Cytogenetic location: 8q22.2.
Variant type: single nucleotide variant.
Coding change: c.3083-1G>C on transcript NM_152564.5 (MANE Select); the canonical splice acceptor site of the intron before coding-DNA position 3083, G replaced by C.
Molecular consequence: splice acceptor variant.
Genome position (GRCh38, 1-based): chr8:99,431,536, G>C. VCF-style: chr8-99431536-G-C. GRCh37 (hg19) VCF-style: chr8-100443764-G-C.
Other names: c.3083-1G>C (NM_017890.5).
Identifiers: ClinVar variation 3358904 (VCV003358904.1).